The following is an entry in ClinVar:

NM_004281.4(BAG3):c.1632del (p.His546fs)

Gene: BAG3 (BAG cochaperone 3; plus strand). Cytogenetic location: 10q26.11.
Variant type: Deletion.
Coding change: c.1632del on transcript NM_004281.4 (MANE Select); coding-DNA position 1632, one base deleted (T; older notation c.1632delT).
Protein change: p.His546fs; shifts the reading frame from histidine 546.
Molecular consequence: frameshift variant.
Genome position (GRCh38, 1-based): chr10:119,677,186, T deleted. VCF-style (leftmost placement, unchanged base first): chr10-119677185-AT-A. GRCh37 (hg19) VCF-style: chr10-121436697-AT-A.
Other names: short protein forms H546fs.
Identifiers: ClinVar variation 1346631 (VCV001346631.6), dbSNP rs2134069512, ClinGen allele CA2573145593.

ClinVar aggregate classification (germline): Uncertain significance (1 of 4 stars; one submission).

Conditions:
Dilated cardiomyopathy 1HH (CMD1HH). Identifiers: Orphanet 154, MedGen C3151293, MONDO:0013479, OMIM 613881.
Myofibrillar myopathy 6. Identifiers: Orphanet 199340, MedGen C2751831, MONDO:0013061, OMIM 612954.

Submission:

Labcorp Genetics (formerly Invitae), Labcorp
Classification: Uncertain significance for Dilated cardiomyopathy 1HH; Myofibrillar myopathy 6. Last evaluated: 2021-10-23. Review status: criteria provided, single submitter. Criteria: Invitae Variant Classification Sherloc (09022015). Collection method: clinical testing. Allele origin: germline.
Comment: In summary, the available evidence is currently insufficient to determine the role of this variant in disease. Therefore, it has been classified as a Variant of Uncertain Significance. Experimental studies and prediction algorithms are not available or were not evaluated, and the functional significance of this variant is currently unknown. This variant has not been reported in the literature in individuals affected with BAG3-related conditions. This variant is not present in population databases (gnomAD no frequency). This sequence change creates a premature translational stop signal (p.His546Thrfs*20) in the BAG3 gene. While this is not anticipated to result in nonsense mediated decay, it is expected to disrupt the last 30 amino acid(s) of the BAG3 protein.